The following is an entry in ClinVar:

ClinVar aggregate classification (germline): Uncertain significance (1 of 4 stars; one submission).

Conditions:
Perlman syndrome (PRLMNS). Identifiers: Orphanet 2849, MedGen C0796113, MONDO:0009965, OMIM 267000.

gnomAD v4.1: 2 of 1,609,050 alleles (0.00012%); highest among the groups gnomAD compares: Non-Finnish European, 0.000085%; no homozygotes.

Submission:

Labcorp Genetics (formerly Invitae), Labcorp
Classification: Uncertain significance for Perlman syndrome. Last evaluated: 2017-07-19. Review status: criteria provided, single submitter. Criteria: Invitae Variant Classification Sherloc (09022015). Collection method: clinical testing. Allele origin: germline.
Comment: This sequence change replaces alanine with proline at codon 639 of the DIS3L2 protein (p.Ala639Pro). The alanine residue is moderately conserved and there is a small physicochemical difference between alanine and proline. This variant is not present in population databases (ExAC no frequency). In summary, the available evidence is currently insufficient to determine the role of this variant in disease. Therefore, it has been classified as a Variant of Uncertain Significance. Algorithms developed to predict the effect of missense changes on protein structure and function do not agree on the potential impact of this missense change (SIFT: "Tolerated"; PolyPhen-2: "Possibly Damaging"; Align-GVGD: "Class C0"). This variant has not been reported in the literature in individuals with DIS3L2-related disease.

NM_152383.5(DIS3L2):c.1915G>C (p.Ala639Pro)

Gene: DIS3L2 (DIS3 like 3'-5' exoribonuclease 2; plus strand). Cytogenetic location: 2q37.1.
Variant type: single nucleotide variant.
Coding change: c.1915G>C on transcript NM_152383.5 (MANE Select); coding-DNA position 1915, G replaced by C.
Protein change: p.Ala639Pro; replaces alanine 639 with proline.
Molecular consequence: missense variant. On other transcripts: non-coding transcript variant (2), intron variant (1).
Genome position (GRCh38, 1-based): chr2:232,329,988, G>C. VCF-style: chr2-232329988-G-C. GRCh37 (hg19) VCF-style: chr2-233194698-G-C.
Other names: c.1582-13357G>C (NM_001257281.2); short protein forms A639P.
Identifiers: ClinVar variation 463081 (VCV000463081.8), dbSNP rs762363254, ClinGen allele CA350976292.